The following is an entry in ClinVar:

ClinVar aggregate classification (germline): Conflicting classifications of pathogenicity. Review status: criteria provided, conflicting classifications (1 of 4 stars). 2 submissions from 2 submitters: Likely pathogenic (1); Uncertain significance (1). Last evaluated 2022-12-14.

Conditions:
Congenital contractures of the limbs and face, hypotonia, and developmental delay (CLIFAHDD). Identifiers: Orphanet 562528, MedGen C4225398, MONDO:0014556, OMIM 616266.

Submissions (2):

Greenwood Genetic Center Diagnostic Laboratories, Greenwood Genetic Center
Classification: Likely pathogenic for Congenital contractures of the limbs and face, hypotonia, and developmental delay. Last evaluated: 2022-12-14. Review status: criteria provided, single submitter. Criteria: ACMG Guidelines, 2015. Collection method: clinical testing. Allele origin: germline. Affected: yes.
Comment: PS2, PM1, PM2, PP2

GeneDx
Classification: Uncertain significance. Last evaluated: 2022-04-01. Review status: criteria provided, single submitter. Criteria: GeneDx Variant Classification Process June 2021. Collection method: clinical testing. Allele origin: germline. Affected: yes.
Comment: Not observed at significant frequency in large population cohorts (gnomAD); In silico analysis supports that this missense variant does not alter protein structure/function; Has not been previously published as pathogenic or benign to our knowledge

NM_052867.4(NALCN):c.4327G>A (p.Val1443Ile)

Gene: NALCN (sodium leak channel, non-selective; minus strand). Cytogenetic location: 13q32.3.
Variant type: single nucleotide variant.
Coding change: c.4327G>A on transcript NM_052867.4 (MANE Select); coding-DNA position 4327, G replaced by A.
Protein change: p.Val1443Ile; replaces valine 1443 with isoleucine.
Molecular consequence: missense variant.
Genome position (GRCh38, 1-based): chr13:101,068,698, C>T on the plus strand (G>A on the coding strand, the complement: NALCN is on the minus strand). VCF-style: chr13-101068698-C-T. GRCh37 (hg19) VCF-style: chr13-101721050-C-T.
Other names: c.4414G>A, p.Val1472Ile (NM_001350748.2); c.4327G>A, p.Val1443Ile (NM_001350749.2); c.4240G>A, p.Val1414Ile (NM_001350750.2, NM_001350751.2); short protein forms V1414I, V1443I, V1472I.
Identifiers: ClinVar variation 1707790 (VCV001707790.5), dbSNP rs2501866353, ClinGen allele CA388646944.